The following is an entry in ClinVar:

NM_001999.4(FBN2):c.1310C>T (p.Thr437Ile)

Gene: FBN2 (fibrillin 2; minus strand). Cytogenetic location: 5q23.3.
Variant type: single nucleotide variant.
Coding change: c.1310C>T on transcript NM_001999.4 (MANE Select); coding-DNA position 1310, C replaced by T.
Protein change: p.Thr437Ile; replaces threonine 437 with isoleucine.
Molecular consequence: missense variant.
Genome position (GRCh38, 1-based): chr5:128,393,290, G>A on the plus strand (C>T on the coding strand, the complement: FBN2 is on the minus strand). VCF-style: chr5-128393290-G-A. GRCh37 (hg19) VCF-style: chr5-127728983-G-A.
Other names: short protein forms T437I.
Identifiers: ClinVar variation 3700547 (VCV003700547.4).

ClinVar aggregate classification (germline): Uncertain significance. Review status: criteria provided, multiple submitters, no conflicts (2 of 4 stars). 2 submissions from 2 submitters: Uncertain significance (2). Last evaluated 2025-07-04.

Conditions:
Congenital contractural arachnodactyly (CCA). Also called: Beals-Hecht syndrome; BEALS SYNDROME; Arthrogryposis, distal, type 9. Identifiers: Orphanet 115, MedGen C0220668, MONDO:0007363, OMIM 121050.

gnomAD v4.1: 2 of 1,614,128 alleles (0.00012%); no homozygotes.

Submissions (2):

Dasa
Classification: Uncertain significance. Last evaluated: 2025-07-04. Review status: criteria provided, single submitter. Criteria: DASA Assertion Criteria. Collection method: clinical testing. Allele origin: germline.
Comment: NM_001999.4(FBN2):c.1310C>T (p.Thr437Ile) is a missense variant that results in the substitution of threonine with isoleucine. This variant is rare in population databases. Computational prediction algorithms are consistent with a benign effect. The currently available literature and clinical evidence are not sufficient to establish a definitive association between this variant and the reported condition. Therefore, this variant is classified as a variant of uncertain significance.

Labcorp Genetics (formerly Invitae), Labcorp
Classification: Uncertain significance for Congenital contractural arachnodactyly. Last evaluated: 2024-11-22. Review status: criteria provided, single submitter. Criteria: Invitae Variant Classification Sherloc (09022015). Collection method: clinical testing. Allele origin: germline.
Comment: This sequence change replaces threonine, which is neutral and polar, with isoleucine, which is neutral and non-polar, at codon 437 of the FBN2 protein (p.Thr437Ile). This variant is not present in population databases (gnomAD no frequency). This variant has not been reported in the literature in individuals affected with FBN2-related conditions. Invitae Evidence Modeling of protein sequence and biophysical properties (such as structural, functional, and spatial information, amino acid conservation, physicochemical variation, residue mobility, and thermodynamic stability) indicates that this missense variant is not expected to disrupt FBN2 protein function with a negative predictive value of 95%. In summary, the available evidence is currently insufficient to determine the role of this variant in disease. Therefore, it has been classified as a Variant of Uncertain Significance.